The following is an entry in ClinVar:

ClinVar aggregate classification (germline): Uncertain significance (1 of 4 stars; one submission).

Conditions:
Retinoblastoma (RB1). Also called: RETINOBLASTOMA, SOMATIC. Identifiers: Orphanet 790, MedGen C0035335, MeSH D012175, MONDO:0008380, OMIM 180200, HP:0009919. Disease mechanism: loss of function. Inheritance: Both sporadic and heritable forms are tested..

Submission:

Labcorp Genetics (formerly Invitae), Labcorp
Classification: Uncertain significance for Retinoblastoma. Last evaluated: 2021-12-24. Review status: criteria provided, single submitter. Criteria: Invitae Variant Classification Sherloc (09022015). Collection method: clinical testing. Allele origin: germline.
Comment: This sequence change replaces methionine, which is neutral and non-polar, with isoleucine, which is neutral and non-polar, at codon 708 of the RB1 protein (p.Met708Ile). This variant is not present in population databases (gnomAD no frequency). This variant has not been reported in the literature in individuals affected with RB1-related conditions. Algorithms developed to predict the effect of missense changes on protein structure and function are either unavailable or do not agree on the potential impact of this missense change (SIFT: "Deleterious"; PolyPhen-2: "Probably Damaging"; Align-GVGD: "Class C0"). In summary, the available evidence is currently insufficient to determine the role of this variant in disease. Therefore, it has been classified as a Variant of Uncertain Significance.

NM_000321.3(RB1):c.2124G>A (p.Met708Ile)

Gene: RB1 (RB transcriptional corepressor 1; plus strand). Cytogenetic location: 13q14.2.
Variant type: single nucleotide variant.
Coding change: c.2124G>A on transcript NM_000321.3 (MANE Select); coding-DNA position 2124, G replaced by A.
Protein change: p.Met708Ile; replaces methionine 708 with isoleucine.
Molecular consequence: missense variant.
Genome position (GRCh38, 1-based): chr13:48,463,748, G>A. VCF-style: chr13-48463748-G-A. GRCh37 (hg19) VCF-style: chr13-49037884-G-A.
Other names: c.2124G>A, p.Met708Ile (NM_001407165.1); short protein forms M708I.
Identifiers: ClinVar variation 2185575 (VCV002185575.4), dbSNP rs2138342291, ClinGen allele CA388167039.